The following is an entry in ClinVar:

NM_020207.7(ERCC6L2):c.875A>G (p.Lys292Arg)

Gene: ERCC6L2 (ERCC excision repair 6 like 2; plus strand). Cytogenetic location: 9q22.32.
Variant type: single nucleotide variant.
Coding change: c.875A>G on transcript NM_020207.7 (MANE Select); coding-DNA position 875, A replaced by G.
Protein change: p.Lys292Arg; replaces lysine 292 with arginine.
Molecular consequence: missense variant. On other transcripts: non-coding transcript variant (1).
Genome position (GRCh38, 1-based): chr9:95,915,754, A>G. VCF-style: chr9-95915754-A-G. GRCh37 (hg19) VCF-style: chr9-98678036-A-G.
Other names: c.875A>G, p.Lys292Arg (NM_001010895.4, NM_001375291.1, NM_001375292.1 and 2 more transcripts); short protein forms K292R.
Identifiers: ClinVar variation 4019292 (VCV004019292.1).

ClinVar aggregate classification (germline): Uncertain significance (1 of 4 stars; one submission).

Conditions:
Inborn genetic diseases. Identifiers: MedGen C0950123, MeSH D030342.

gnomAD v4.1: 1 of 1,614,030 alleles (0.000062%); highest among the groups gnomAD compares: East Asian, 0.0022%; no homozygotes.

Submission:

Ambry Genetics
Classification: Uncertain significance for Inborn genetic diseases. Last evaluated: 2025-04-05. Review status: criteria provided, single submitter. Criteria: Ambry Variant Classification Scheme 2023. Collection method: clinical testing. Allele origin: germline.
Comment: The p.K292R variant (also known as c.875A>G), located in coding exon 5 of the ERCC6L2 gene, results from an A to G substitution at nucleotide position 875. The lysine at codon 292 is replaced by arginine, an amino acid with highly similar properties. This amino acid position is conserved. In addition, this alteration is predicted to be tolerated by in silico analysis. Based on the available evidence, the clinical significance of this variant remains unclear.